The following is an entry in ClinVar:

NM_014625.4(NPHS2):c.167A>G (p.Glu56Gly)

Gene: NPHS2 (NPHS2 stomatin family member, podocin; minus strand). Cytogenetic location: 1q25.2.
Variant type: single nucleotide variant.
Coding change: c.167A>G on transcript NM_014625.4 (MANE Select); coding-DNA position 167, A replaced by G.
Protein change: p.Glu56Gly; replaces glutamic acid 56 with glycine.
Molecular consequence: missense variant.
Genome position (GRCh38, 1-based): chr1:179,575,698, T>C on the plus strand (A>G on the coding strand, the complement: NPHS2 is on the minus strand). VCF-style: chr1-179575698-T-C. GRCh37 (hg19) VCF-style: chr1-179544833-T-C.
Other names: c.167A>G, p.Glu56Gly (NM_001297575.2); short protein forms E56G.
Identifiers: ClinVar variation 1303258 (VCV001303258.2), dbSNP rs749680357, ClinGen allele CA1267306.

ClinVar aggregate classification (germline): Uncertain significance (1 of 4 stars; one submission).

Allele frequency attached by ClinVar (database versions not stated): ExAC 0.00002.

Submission:

GeneDx
Classification: Uncertain significance. Last evaluated: 2019-10-11. Review status: criteria provided, single submitter. Criteria: GeneDx Variant Classification Process June 2021. Collection method: clinical testing. Allele origin: germline. Affected: yes.
Comment: Not observed at a significant frequency in large population cohorts (Lek et al., 2016); In silico analysis, which includes protein predictors and evolutionary conservation, supports that this variant does not alter protein structure/function; This variant is associated with the following publications: (PMID: 25349199)